The following is an entry in ClinVar:

NM_033159.4(HYAL1):c.792C>G (p.His264Gln)

Gene: HYAL1 (hyaluronidase 1; minus strand). Cytogenetic location: 3p21.31.
Variant type: single nucleotide variant.
Coding change: c.792C>G on transcript NM_033159.4 (MANE Select); coding-DNA position 792, C replaced by G.
Protein change: p.His264Gln; replaces histidine 264 with glutamine.
Molecular consequence: missense variant. On other transcripts: non-coding transcript variant (1).
Genome position (GRCh38, 1-based): chr3:50,302,165, G>C on the plus strand (C>G on the coding strand, the complement: HYAL1 is on the minus strand). VCF-style: chr3-50302165-G-C. GRCh37 (hg19) VCF-style: chr3-50339596-G-C.
Other names: c.792C>G, p.His264Gln (NM_007312.3, NM_153281.2, NM_153282.3); c.246C>G, p.His82Gln (NM_153283.3); c.15C>G, p.His5Gln (NM_153285.3); short protein forms H264Q, H5Q, H82Q.
Identifiers: ClinVar variation 2636320 (VCV002636320.1), dbSNP rs782655370, ClinGen allele CA2415869.

ClinVar aggregate classification (germline): Uncertain significance (1 of 4 stars; one submission).

Conditions:
HYAL1-related disorder. Also called: HYAL1-related condition.

Allele frequency attached by ClinVar (database versions not stated): ExAC 0.00001; gnomAD 0.00001; TOPMed 0.00001; gnomAD exomes 0.00002.
gnomAD v4.1: 33 of 1,614,098 alleles (0.002%); highest among the groups gnomAD compares: Non-Finnish European, 0.0028%; no homozygotes.

Submission:

PreventionGenetics, part of Exact Sciences
Classification: Uncertain significance for HYAL1-related condition. Last evaluated: 2023-07-28. Review status: criteria provided, single submitter. Criteria: ACMG Guidelines, 2015. Collection method: clinical testing. Allele origin: germline.
Comment: The HYAL1 c.792C>G variant is predicted to result in the amino acid substitution p.His264Gln. To our knowledge, this variant has not been reported in the literature or in a large population database, indicating this variant is rare. At this time, the clinical significance of this variant is uncertain due to the absence of conclusive functional and genetic evidence.